The following is an entry in ClinVar:

NM_002234.4(KCNA5):c.1189G>A (p.Ala397Thr)

Gene: KCNA5 (potassium voltage-gated channel subfamily A member 5; plus strand). Cytogenetic location: 12p13.32.
Variant type: single nucleotide variant.
Coding change: c.1189G>A on transcript NM_002234.4 (MANE Select); coding-DNA position 1189, G replaced by A.
Protein change: p.Ala397Thr; replaces alanine 397 with threonine.
Molecular consequence: missense variant.
Genome position (GRCh38, 1-based): chr12:5,045,336, G>A. VCF-style: chr12-5045336-G-A. GRCh37 (hg19) VCF-style: chr12-5154502-G-A.
Other names: short protein forms A397T.
Identifiers: ClinVar variation 2692329 (VCV002692329.3), dbSNP rs1246627857, ClinGen allele CA383465962.

ClinVar aggregate classification (germline): Uncertain significance. Review status: criteria provided, multiple submitters, no conflicts (2 of 4 stars). 2 submissions from 2 submitters: Uncertain significance (2). Last evaluated 2024-09-09.

Conditions:
Atrial fibrillation, familial, 7 (ATFB7). Identifiers: MedGen C2677106, MONDO:0012828, OMIM 612240.

Allele frequency attached by ClinVar (database versions not stated): gnomAD exomes below 0.00001; gnomAD 0.00001; TOPMed 0.00005.

Submissions (2):

Labcorp Genetics (formerly Invitae), Labcorp
Classification: Uncertain significance for Atrial fibrillation, familial, 7. Last evaluated: 2024-09-09. Review status: criteria provided, single submitter. Criteria: Invitae Variant Classification Sherloc (09022015). Collection method: clinical testing. Allele origin: germline.
Comment: This sequence change replaces alanine, which is neutral and non-polar, with threonine, which is neutral and polar, at codon 397 of the KCNA5 protein (p.Ala397Thr). This variant is present in population databases (no rsID available, gnomAD 0.0009%). This variant has not been reported in the literature in individuals affected with KCNA5-related conditions. Invitae Evidence Modeling of protein sequence and biophysical properties (such as structural, functional, and spatial information, amino acid conservation, physicochemical variation, residue mobility, and thermodynamic stability) indicates that this missense variant is not expected to disrupt KCNA5 protein function with a negative predictive value of 80%. In summary, the available evidence is currently insufficient to determine the role of this variant in disease. Therefore, it has been classified as a Variant of Uncertain Significance.

MVZ Medizinische Genetik Mainz
Classification: Uncertain significance for Atrial fibrillation, familial, 7. Last evaluated: 2023-06-01. Review status: criteria provided, single submitter. Criteria: UK Practice Guidelines For Variant Classification V4 01 2020. Collection method: clinical testing. Allele origin: germline. Inheritance: Autosomal dominant inheritance. Affected: yes. Observed: 1 variant allele.